The following is an entry in ClinVar:

ClinVar aggregate classification (germline): Uncertain significance (1 of 4 stars; one submission).

Conditions:
Progressive myoclonic epilepsy type 9. Identifiers: Orphanet 457265, MedGen C4225289, MONDO:0014685, OMIM 616540.
Lipodystrophy, partial, acquired, susceptibility to (APLD). Also called: APLD, SUSCEPTIBILITY TO. Identifiers: MedGen C3887501, MONDO:0100476, OMIM 608709.

Submission:

Labcorp Genetics (formerly Invitae), Labcorp
Classification: Uncertain significance for Progressive myoclonic epilepsy type 9; Lipodystrophy, partial, acquired, susceptibility to. Last evaluated: 2023-09-29. Review status: criteria provided, single submitter. Criteria: Invitae Variant Classification Sherloc (09022015). Collection method: clinical testing. Allele origin: unknown.
Comment: A copy number gain of the genomic region encompassing the full coding sequence of the LMNB2 gene has been identified. The boundaries of this event are unknown as they extend beyond the assayed region for this gene and therefore may encompass additional genes. As the precise location of this event is unknown, it may be in tandem or it may be located elsewhere in the genome. In summary, the available evidence is currently insufficient to determine the role of this variant in disease. Therefore, it has been classified as a Variant of Uncertain Significance. This variant has not been reported in the literature in individuals affected with LMNB2-related conditions.

NC_000019.9:g.(?_2430909)_(3121177_?)dup

Genes: DIRAS1 (DIRAS family GTPase 1; minus strand), GADD45B (growth arrest and DNA damage inducible beta; plus strand), GNA11 (G protein subunit alpha 11; plus strand), GNG7 (G protein subunit gamma 7; minus strand), LMNB2 (lamin B2; minus strand) and 10 more. Cytogenetic location: 19p13.3.
Variant type: Duplication.
Identifiers: ClinVar variation 3248492 (VCV003248492.1).